The following is an entry in ClinVar:

NM_004187.5(KDM5C):c.2410C>T (p.Arg804Trp)

Gene: KDM5C (lysine demethylase 5C; minus strand). Cytogenetic location: Xp11.22.
Variant type: single nucleotide variant.
Coding change: c.2410C>T on transcript NM_004187.5 (MANE Select); coding-DNA position 2410, C replaced by T.
Protein change: p.Arg804Trp; replaces arginine 804 with tryptophan.
Molecular consequence: missense variant. On other transcripts: non-coding transcript variant (3).
Genome position (GRCh38, 1-based): chrX:53,198,596, G>A on the plus strand (C>T on the coding strand, the complement: KDM5C is on the minus strand). VCF-style: chrX-53198596-G-A. GRCh37 (hg19) VCF-style: chrX-53227778-G-A.
Other names: c.2209C>T, p.Arg737Trp (NM_001146702.2); c.2407C>T, p.Arg803Trp (NM_001282622.3, NM_001353979.2, NM_001353982.2); c.2410C>T, p.Arg804Trp (NM_001353978.3, NM_001353981.2, NM_001353984.2); short protein forms R737W, R803W, R804W.
Identifiers: ClinVar variation 3611161 (VCV003611161.2).

ClinVar aggregate classification (germline): Uncertain significance (1 of 4 stars; one submission).

Conditions:
Spastic paraplegia. Identifiers: MedGen C0037772, HP:0001258.

gnomAD v4.1: 1 of 1,211,702 alleles (0.000083%); highest among the groups gnomAD compares: Non-Finnish European, 0.00011%; no homozygotes.

Submission:

Labcorp Genetics (formerly Invitae), Labcorp
Classification: Uncertain significance for Spastic paraplegia. Last evaluated: 2024-05-15. Review status: criteria provided, single submitter. Criteria: Invitae Variant Classification Sherloc (09022015). Collection method: clinical testing. Allele origin: germline.
Comment: This sequence change replaces arginine, which is basic and polar, with tryptophan, which is neutral and slightly polar, at codon 804 of the KDM5C protein (p.Arg804Trp). This variant is not present in population databases (gnomAD no frequency). This variant has not been reported in the literature in individuals affected with KDM5C-related conditions. Advanced modeling of protein sequence and biophysical properties (such as structural, functional, and spatial information, amino acid conservation, physicochemical variation, residue mobility, and thermodynamic stability) performed at Invitae indicates that this missense variant is not expected to disrupt KDM5C protein function with a negative predictive value of 80%. In summary, the available evidence is currently insufficient to determine the role of this variant in disease. Therefore, it has been classified as a Variant of Uncertain Significance.